The following is an entry in ClinVar:

ClinVar aggregate classification (germline): Benign. Review status: criteria provided, multiple submitters, no conflicts (2 of 4 stars). 2 submissions from 2 submitters: Benign (2). Last evaluated 2018-06-14.

Allele frequency attached by ClinVar (database versions not stated): gnomAD 0.48588 and 0.49216; TOPMed 0.49686; 1000 Genomes Project 30x 0.52951; gnomAD exomes 0.53475; 1000 Genomes Project 0.53754.

Submissions (2):

GeneDx
Classification: Benign. Last evaluated: 2018-06-14. Review status: criteria provided, single submitter. Criteria: GeneDx Variant Classification (06012015). Collection method: clinical testing. Allele origin: germline. Affected: yes.
Comment: This variant is considered likely benign or benign based on one or more of the following criteria: it is a conservative change, it occurs at a poorly conserved position in the protein, it is predicted to be benign by multiple in silico algorithms, and/or has population frequency not consistent with disease.

Breakthrough Genomics
Classification: Benign. Review status: criteria provided, single submitter. Criteria: ACMG Guidelines, 2015. Collection method: not provided. Allele origin: germline. Inheritance: Autosomal recessive inheritance. Affected: yes.

NM_018979.4(WNK1):c.1312-119G>A

Gene: WNK1 (WNK lysine deficient protein kinase 1; plus strand). Cytogenetic location: 12p13.33.
Variant type: single nucleotide variant.
Coding change: c.1312-119G>A on transcript NM_018979.4 (MANE Select); 119 bases into the intron before coding-DNA position 1312, G replaced by A.
Molecular consequence: intron variant.
Genome position (GRCh38, 1-based): chr12:857,042, G>A. VCF-style: chr12-857042-G-A. GRCh37 (hg19) VCF-style: chr12-966208-G-A.
Other names: c.1312-119G>A (NM_213655.5, NM_001184985.2, NM_014823.3).
Identifiers: ClinVar variation 670305 (VCV000670305.2), dbSNP rs2240284, ClinGen allele CA13576304.